The following is an entry in ClinVar:

ClinVar aggregate classification (germline): Benign. Review status: criteria provided, multiple submitters, no conflicts (2 of 4 stars). 3 submissions from 3 submitters: Benign (3). Last evaluated 2018-06-19.

Conditions:
Mitochondrial complex V (ATP synthase) deficiency, nuclear type 1. Also called: Nuclear-Encoded ATPase Deficiency, ATPAF2-Related; MITOCHONDRIAL COMPLEX V (ATP SYNTHASE) DEFICIENCY, ATPAF2 TYPE. Identifiers: Orphanet 254913, MedGen C3276276, MONDO:0011421, OMIM 604273.

Allele frequency attached by ClinVar (database versions not stated): gnomAD 0.06601 and 0.06371; TOPMed 0.06761; 1000 Genomes Project 30x 0.06027; gnomAD exomes 0.04517; 1000 Genomes Project 0.05911.

Submissions (3):

GeneDx
Classification: Benign. Last evaluated: 2018-06-19. Review status: criteria provided, single submitter. Criteria: GeneDx Variant Classification Process June 2021. Collection method: clinical testing. Allele origin: germline. Affected: yes.

Illumina Laboratory Services, Illumina
Classification: Benign for Mitochondrial complex V (ATP synthase) deficiency, nuclear type 1. Last evaluated: 2018-01-12. Review status: criteria provided, single submitter. Criteria: ICSL Variant Classification Criteria 13 December 2019. Collection method: clinical testing. Allele origin: germline.
Comment: This variant was observed in the ICSL laboratory as part of a predisposition screen in an ostensibly healthy population. It had not been previously curated by ICSL or reported in the Human Gene Mutation Database (HGMD: prior to June 1st, 2018), and was therefore a candidate for classification through an automated scoring system. Utilizing variant allele frequency, disease prevalence and penetrance estimates, and inheritance mode, an automated score was calculated to assess if this variant is too frequent to cause the disease. Based on the score and internal cut-off values, a variant classified as benign is not then subjected to further curation. The score for this variant resulted in a classification of benign for this disease.

Breakthrough Genomics
Classification: Benign. Review status: criteria provided, single submitter. Criteria: ACMG Guidelines, 2015. Collection method: not provided. Allele origin: germline. Inheritance: Autosomal recessive inheritance. Affected: yes.

NM_145691.4(ATPAF2):c.*165C>T

Gene: ATPAF2 (ATP synthase mitochondrial F1 complex assembly factor 2; minus strand). Cytogenetic location: 17p11.2.
Variant type: single nucleotide variant.
Coding change: c.*165C>T on transcript NM_145691.4 (MANE Select); 165 bases downstream of the stop codon, C replaced by T.
Molecular consequence: 3 prime UTR variant.
Genome position (GRCh38, 1-based): chr17:18,018,384, G>A on the plus strand (C>T on the coding strand, the complement: ATPAF2 is on the minus strand). VCF-style: chr17-18018384-G-A. GRCh37 (hg19) VCF-style: chr17-17921698-G-A.
Identifiers: ClinVar variation 322092 (VCV000322092.8), dbSNP rs34673242, ClinGen allele CA10639065.